The following is an entry in ClinVar:

ClinVar aggregate classification (germline): Likely benign. Review status: criteria provided, multiple submitters, no conflicts (2 of 4 stars). 5 submissions from 5 submitters: Likely benign (5). Last evaluated 2025-12-10.

Conditions:
Fanconi anemia complementation group O. Also called: RAD51C-Related Fanconi Anemia. Identifiers: Orphanet 84, MedGen C3150653, MONDO:0013248, OMIM 613390.
Hereditary cancer-predisposing syndrome. Also called: Tumor predisposition; Hereditary Cancer Syndrome; Neoplastic Syndromes, Hereditary; Hereditary neoplastic syndrome. Identifiers: Orphanet 140162, MedGen C0027672, MeSH D009386, MONDO:0015356.
Breast-ovarian cancer, familial, susceptibility to, 3. Also called: RAD51C-Related Breast/Ovarian Cancer. Identifiers: Orphanet 145, MedGen C3150659, MONDO:0013253, OMIM 613399.

Allele frequency attached by ClinVar (database versions not stated): ExAC 0.00001; gnomAD 0.00002 and 0.00003; gnomAD exomes 0.00002; TOPMed 0.00002; ESP Exome Variant Server 0.00015.
gnomAD v4.1: 26 of 1,613,178 alleles (0.0016%); highest among the groups gnomAD compares: Non-Finnish European, 0.002%; 1 homozygote.

Submissions (5):

Labcorp Genetics (formerly Invitae), Labcorp
Classification: Likely benign for Fanconi anemia complementation group O. Last evaluated: 2025-12-10. Review status: criteria provided, single submitter. Criteria: Invitae Variant Classification Sherloc (09022015). Collection method: clinical testing. Allele origin: germline.

Blueprint Genetics
Classification: Likely benign. Last evaluated: 2023-01-24. Review status: criteria provided, single submitter. Criteria: ACMG Guidelines, 2015. Collection method: clinical testing. Allele origin: germline.

Department of Pathology and Laboratory Medicine, Sinai Health System
Classification: Likely benign for Breast-ovarian cancer, familial, susceptibility to, 3. Last evaluated: 2022-11-25. Review status: criteria provided, single submitter. Criteria: ACMG Guidelines, 2015. Collection method: clinical testing. Allele origin: germline. Affected: yes.

GeneDx
Classification: Likely benign. Last evaluated: 2017-08-14. Review status: criteria provided, single submitter. Criteria: GeneDx Variant Classification (06012015). Collection method: clinical testing. Allele origin: germline. Affected: yes.
Comment: This variant is considered likely benign or benign based on one or more of the following criteria: it is a conservative change, it occurs at a poorly conserved position in the protein, it is predicted to be benign by multiple in silico algorithms, and/or has population frequency not consistent with disease.

Color Diagnostics, LLC DBA Color Health
Classification: Likely benign for Hereditary cancer-predisposing syndrome. Last evaluated: 2015-12-02. Review status: criteria provided, single submitter. Criteria: ACMG Guidelines, 2015. Collection method: clinical testing. Allele origin: germline.

NM_058216.3(RAD51C):c.571+15G>T

Gene: RAD51C (RAD51 paralog C; plus strand). Cytogenetic location: 17q22.
Variant type: single nucleotide variant.
Coding change: c.571+15G>T on transcript NM_058216.3 (MANE Select); 15 bases into the intron after coding-DNA position 571, G replaced by T.
Molecular consequence: intron variant.
Genome position (GRCh38, 1-based): chr17:58,696,874, G>T. VCF-style: chr17-58696874-G-T. GRCh37 (hg19) VCF-style: chr17-56774235-G-T.
Other names: c.571+15G>T (LRG_314t1).
Identifiers: ClinVar variation 492371 (VCV000492371.14), dbSNP rs375007340, ClinGen allele CA8677261.